The following is an entry in ClinVar:

ClinVar aggregate classification (germline): Uncertain significance. Review status: criteria provided, multiple submitters, no conflicts (2 of 4 stars). 2 submissions from 2 submitters: Uncertain significance (2). Last evaluated 2025-09-28.

Conditions:
Inborn genetic diseases. Identifiers: MedGen C0950123, MeSH D030342.
Kostmann syndrome (SCN3). Also called: Autosomal recessive severe congenital neutropenia type 3; KOSTMANN DISEASE. Identifiers: Orphanet 99749, MedGen C5235141, MONDO:0012548, OMIM 610738.

Allele frequency attached by ClinVar (database versions not stated): gnomAD exomes below 0.00001.

Submissions (2):

Ambry Genetics
Classification: Uncertain significance for Inborn genetic diseases. Last evaluated: 2025-09-28. Review status: criteria provided, single submitter. Criteria: Ambry Variant Classification Scheme 2023. Collection method: clinical testing. Allele origin: germline.
Comment: The p.T124K variant (also known as c.371C>A), located in coding exon 3 of the HAX1 gene, results from a C to A substitution at nucleotide position 371. The threonine at codon 124 is replaced by lysine, an amino acid with similar properties. This amino acid position is conserved. In addition, this alteration is predicted to be tolerated by in silico analysis. Based on the available evidence, the clinical significance of this variant remains unclear.

Labcorp Genetics (formerly Invitae), Labcorp
Classification: Uncertain significance for Kostmann syndrome. Last evaluated: 2022-03-03. Review status: criteria provided, single submitter. Criteria: Invitae Variant Classification Sherloc (09022015). Collection method: clinical testing. Allele origin: germline.
Comment: In summary, the available evidence is currently insufficient to determine the role of this variant in disease. Therefore, it has been classified as a Variant of Uncertain Significance. This sequence change replaces threonine, which is neutral and polar, with lysine, which is basic and polar, at codon 124 of the HAX1 protein (p.Thr124Lys). Algorithms developed to predict the effect of missense changes on protein structure and function are either unavailable or do not agree on the potential impact of this missense change (SIFT: "Tolerated"; PolyPhen-2: "Possibly Damaging"; Align-GVGD: "Class C0"). ClinVar contains an entry for this variant (Variation ID: 1007123). This variant has not been reported in the literature in individuals affected with HAX1-related conditions. This variant is not present in population databases (gnomAD no frequency).

NM_006118.4(HAX1):c.371C>A (p.Thr124Lys)

Gene: HAX1 (HCLS1 associated protein X-1; plus strand). Cytogenetic location: 1q21.3.
Variant type: single nucleotide variant.
Coding change: c.371C>A on transcript NM_006118.4 (MANE Select); coding-DNA position 371, C replaced by A.
Protein change: p.Thr124Lys; replaces threonine 124 with lysine.
Molecular consequence: missense variant.
Genome position (GRCh38, 1-based): chr1:154,273,828, C>A. VCF-style: chr1-154273828-C-A. GRCh37 (hg19) VCF-style: chr1-154246304-C-A.
Other names: c.227C>A, p.Thr76Lys (NM_001018837.2); c.371C>A (NM_006118.3); short protein forms T124K, T76K.
Identifiers: ClinVar variation 1007123 (VCV001007123.9), dbSNP rs1684875501, ClinGen allele CA342592491.